The following is an entry in ClinVar:

ClinVar aggregate classification (germline): Likely benign (0 of 4 stars; one submission).

Conditions:
ARID1B-Related Disorder. Identifiers: MedGen CN381337.

gnomAD v4.1: 6 of 1,285,780 alleles (0.00047%); highest among the groups gnomAD compares: African/African-American, 0.0094%; no homozygotes.

Submission:

PreventionGenetics, part of Exact Sciences
Classification: Likely benign for ARID1B-related condition. Last evaluated: 2024-08-12. Review status: no assertion criteria provided. Collection method: clinical testing. Allele origin: germline.
Comment: This variant is classified as likely benign based on ACMG/AMP sequence variant interpretation guidelines (Richards et al. 2015 PMID: 25741868, with internal and published modifications).

NM_001374828.1(ARID1B):c.1287G>A (p.Ala429=)

Gene: ARID1B (AT-rich interaction domain 1B; plus strand). Cytogenetic location: 6q25.3.
Variant type: single nucleotide variant.
Coding change: c.1287G>A on transcript NM_001374828.1 (MANE Select); coding-DNA position 1287, G replaced by A.
Protein change: p.Ala429=; no amino-acid change (alanine 429 retained).
Molecular consequence: synonymous variant.
Genome position (GRCh38, 1-based): chr6:156,778,967, G>A. VCF-style: chr6-156778967-G-A. GRCh37 (hg19) VCF-style: chr6-157100101-G-A.
Other names: c.1287G>A, p.Ala429= (NM_001371656.1, NM_001374820.1, NM_017519.3); c.1038G>A (NM_020732.3).
Identifiers: ClinVar variation 3354725 (VCV003354725.1).